The following is an entry in ClinVar:

ClinVar aggregate classification (germline): Uncertain significance. Review status: criteria provided, multiple submitters, no conflicts (2 of 4 stars). 2 submissions from 2 submitters: Uncertain significance (2). Last evaluated 2024-10-16.

Conditions:
Hereditary spastic paraplegia 39 (SPG39). Also called: Spastic Paraplegia Type 39 (SPG39); SPASTIC PARAPLEGIA 39, AUTOSOMAL RECESSIVE. Identifiers: Orphanet 139480, MedGen C2677586, MONDO:0012787, OMIM 612020.

Allele frequency attached by ClinVar (database versions not stated): gnomAD exomes 0.00001 and 0.00002; TOPMed 0.00001.

Submissions (2):

Labcorp Genetics (formerly Invitae), Labcorp
Classification: Uncertain significance for Hereditary spastic paraplegia 39. Last evaluated: 2024-10-16. Review status: criteria provided, single submitter. Criteria: Invitae Variant Classification Sherloc (09022015). Collection method: clinical testing. Allele origin: germline.
Comment: This sequence change replaces arginine, which is basic and polar, with cysteine, which is neutral and slightly polar, at codon 1314 of the PNPLA6 protein (p.Arg1314Cys). This variant is present in population databases (no rsID available, gnomAD 0.009%). This variant has not been reported in the literature in individuals affected with PNPLA6-related conditions. ClinVar contains an entry for this variant (Variation ID: 1162828). Invitae Evidence Modeling of protein sequence and biophysical properties (such as structural, functional, and spatial information, amino acid conservation, physicochemical variation, residue mobility, and thermodynamic stability) has been performed for this missense variant. However, the output from this modeling did not meet the statistical confidence thresholds required to predict the impact of this variant on PNPLA6 protein function. In summary, the available evidence is currently insufficient to determine the role of this variant in disease. Therefore, it has been classified as a Variant of Uncertain Significance.

Mayo Clinic Laboratories, Mayo Clinic
Classification: Uncertain significance. Last evaluated: 2020-11-19. Review status: criteria provided, single submitter. Criteria: ACMG Guidelines, 2015. Collection method: clinical testing. Allele origin: germline. Observed: 1 variant allele.

NM_001166114.2(PNPLA6):c.4054C>T (p.Arg1352Cys)

Gene: PNPLA6 (patatin like domain 6, lysophospholipase; plus strand). Cytogenetic location: 19p13.2.
Variant type: single nucleotide variant.
Coding change: c.4054C>T on transcript NM_001166114.2 (MANE Select); coding-DNA position 4054, C replaced by T.
Protein change: p.Arg1352Cys; replaces arginine 1352 with cysteine.
Molecular consequence: missense variant.
Genome position (GRCh38, 1-based): chr19:7,561,518, C>T. VCF-style: chr19-7561518-C-T. GRCh37 (hg19) VCF-style: chr19-7626404-C-T.
Other names: c.4084C>T, p.Arg1362Cys (NM_001166111.2); c.3859C>T, p.Arg1287Cys (NM_001166112.2); c.3940C>T, p.Arg1314Cys (NM_001166113.1, NM_006702.5); short protein forms R1287C, R1314C, R1352C, R1362C.
Identifiers: ClinVar variation 1162828 (VCV001162828.9), dbSNP rs1204274988, ClinGen allele CA403139928.